The following is an entry in ClinVar:

ClinVar aggregate classification (germline): Uncertain significance. Review status: criteria provided, multiple submitters, no conflicts (2 of 4 stars). 2 submissions from 2 submitters: Uncertain significance (2). Last evaluated 2025-08-13.

Conditions:
Inborn genetic diseases. Identifiers: MedGen C0950123, MeSH D030342.

Allele frequency attached by ClinVar (database versions not stated): TOPMed below 0.00001; gnomAD 0.00001.
gnomAD v4.1: 1 of 1,613,946 alleles (0.000062%); highest among the groups gnomAD compares: Non-Finnish European, 0.000085%; no homozygotes.

Submissions (2):

Ambry Genetics
Classification: Uncertain significance for Inborn genetic diseases. Last evaluated: 2025-08-13. Review status: criteria provided, single submitter. Criteria: Ambry Variant Classification Scheme 2023. Collection method: clinical testing. Allele origin: germline.

Labcorp Genetics (formerly Invitae), Labcorp
Classification: Uncertain significance. Last evaluated: 2023-11-27. Review status: criteria provided, single submitter. Criteria: Invitae Variant Classification Sherloc (09022015). Collection method: clinical testing. Allele origin: germline.
Comment: This sequence change replaces methionine, which is neutral and non-polar, with isoleucine, which is neutral and non-polar, at codon 655 of the CNGB1 protein (p.Met655Ile). This variant is not present in population databases (gnomAD no frequency). This variant has not been reported in the literature in individuals affected with CNGB1-related conditions. ClinVar contains an entry for this variant (Variation ID: 1960016). Advanced modeling of protein sequence and biophysical properties (such as structural, functional, and spatial information, amino acid conservation, physicochemical variation, residue mobility, and thermodynamic stability) performed at Invitae indicates that this missense variant is not expected to disrupt CNGB1 protein function with a negative predictive value of 80%. In summary, the available evidence is currently insufficient to determine the role of this variant in disease. Therefore, it has been classified as a Variant of Uncertain Significance.

NM_001297.5(CNGB1):c.1965G>A (p.Met655Ile)

Gene: CNGB1 (cyclic nucleotide gated channel subunit beta 1; minus strand). Cytogenetic location: 16q21.
Variant type: single nucleotide variant.
Coding change: c.1965G>A on transcript NM_001297.5 (MANE Select); coding-DNA position 1965, G replaced by A.
Protein change: p.Met655Ile; replaces methionine 655 with isoleucine.
Molecular consequence: missense variant.
Genome position (GRCh38, 1-based): chr16:57,917,469, C>T on the plus strand (G>A on the coding strand, the complement: CNGB1 is on the minus strand). VCF-style: chr16-57917469-C-T. GRCh37 (hg19) VCF-style: chr16-57951373-C-T.
Other names: c.1965G>A (NM_001297.4); c.1947G>A, p.Met649Ile (NM_001286130.2); short protein forms M655I, M649I.
Identifiers: ClinVar variation 1960016 (VCV001960016.6), dbSNP rs1262215377, ClinGen allele CA396064665.